The following is an entry in ClinVar:

ClinVar aggregate classification (germline): Uncertain significance (1 of 4 stars; one submission).

Conditions:
PRR12-related disorder. Also called: PRR12-related condition.

Submission:

PreventionGenetics, part of Exact Sciences
Classification: Uncertain significance for PRR12-related condition. Last evaluated: 2026-01-20. Review status: criteria provided, single submitter. Criteria: ACMG Guidelines, 2015. Collection method: clinical testing. Allele origin: germline.
Comment: The PRR12 c.217G>A variant is predicted to result in the amino acid substitution p.Asp73Asn. To our knowledge, this variant has not been reported in the literature or in a large population database (gnomAD), indicating this variant is rare. At this time, the clinical significance of this variant is uncertain due to the absence of conclusive functional and genetic evidence.

NM_020719.3(PRR12):c.217G>A (p.Asp73Asn)

Gene: PRR12 (proline rich 12; plus strand). Cytogenetic location: 19q13.33.
Variant type: single nucleotide variant.
Coding change: c.217G>A on transcript NM_020719.3 (MANE Select); coding-DNA position 217, G replaced by A.
Protein change: p.Asp73Asn; replaces aspartic acid 73 with asparagine.
Molecular consequence: missense variant.
Genome position (GRCh38, 1-based): chr19:49,594,471, G>A. VCF-style: chr19-49594471-G-A. GRCh37 (hg19) VCF-style: chr19-50097728-G-A.
Other names: short protein forms D73N.
Identifiers: ClinVar variation 4995649 (VCV004995649.1).